The following is an entry in ClinVar:

NM_006514.4(SCN10A):c.3585T>C (p.Phe1195=)

Gene: SCN10A (sodium voltage-gated channel alpha subunit 10; minus strand). Cytogenetic location: 3p22.2.
Variant type: single nucleotide variant.
Coding change: c.3585T>C on transcript NM_006514.4 (MANE Select); coding-DNA position 3585, T replaced by C.
Protein change: p.Phe1195=; no amino-acid change (phenylalanine 1195 retained).
Molecular consequence: synonymous variant.
Genome position (GRCh38, 1-based): chr3:38,718,749, A>G on the plus strand (T>C on the coding strand, the complement: SCN10A is on the minus strand). VCF-style: chr3-38718749-A-G. GRCh37 (hg19) VCF-style: chr3-38760240-A-G.
Other names: c.3582T>C, p.Phe1194= (NM_001293306.2); c.3291T>C, p.Phe1097= (NM_001293307.2).
Identifiers: ClinVar variation 390955 (VCV000390955.8), dbSNP rs368972137, ClinGen allele CA2320186.

ClinVar aggregate classification (germline): Likely benign. Review status: criteria provided, multiple submitters, no conflicts (2 of 4 stars). 3 submissions from 3 submitters: Likely benign (3). Last evaluated 2024-04-01.

Conditions:
Cardiovascular phenotype. Identifiers: MedGen CN230736.
Brugada syndrome. Also called: Sudden unexpected nocturnal death syndrome; Sudden unexplained nocturnal death syndrome; Sudden Unexplained Death Syndrome; Sudden Unexplained Nocturnal Death Syndrome (SUNDS). Identifiers: Orphanet 130, MedGen C1142166, MONDO:0015263.

Allele frequency attached by ClinVar (database versions not stated): gnomAD exomes 0.00001; ExAC 0.00002; TOPMed 0.00003; gnomAD 0.00005; ESP Exome Variant Server 0.00008; 1000 Genomes Project 30x 0.00016; 1000 Genomes Project 0.00020.
gnomAD v4.1: 7 of 1,614,230 alleles (0.00043%); highest among the groups gnomAD compares: African/African-American, 0.0093%; no homozygotes.

Submissions (3):

Labcorp Genetics (formerly Invitae), Labcorp
Classification: Likely benign for Brugada syndrome. Last evaluated: 2024-04-01. Review status: criteria provided, single submitter. Criteria: Invitae Variant Classification Sherloc (09022015). Collection method: clinical testing. Allele origin: germline.

Ambry Genetics
Classification: Likely benign for Cardiovascular phenotype. Last evaluated: 2019-07-11. Review status: criteria provided, single submitter. Criteria: Ambry Variant Classification Scheme 2023. Collection method: clinical testing. Allele origin: germline.

GeneDx
Classification: Likely benign. Last evaluated: 2016-11-21. Review status: criteria provided, single submitter. Criteria: GeneDx Variant Classification (06012015). Collection method: clinical testing. Allele origin: germline. Affected: yes.
Comment: This variant is considered likely benign or benign based on one or more of the following criteria: it is a conservative change, it occurs at a poorly conserved position in the protein, it is predicted to be benign by multiple in silico algorithms, and/or has population frequency not consistent with disease.